The following is an entry in ClinVar:

ClinVar aggregate classification (germline): Uncertain significance. Review status: criteria provided, multiple submitters, no conflicts (2 of 4 stars). 2 submissions from 2 submitters: Uncertain significance (2). Last evaluated 2024-11-05.

Conditions:
Succinate-semialdehyde dehydrogenase deficiency (SSADHD). Also called: Succinic Semialdehyde Dehydrogenase Deficiency; 4-HYDROXYBUTYRIC ACIDURIA; GABA METABOLIC DEFECT; SSADH DEFICIENCY. Identifiers: Orphanet 22, MedGen C0268631, MONDO:0010083, OMIM 271980.

Allele frequency attached by ClinVar (database versions not stated): TOPMed below 0.00001; gnomAD 0.00001.
gnomAD v4.1: 12 of 1,613,998 alleles (0.00074%); highest among the groups gnomAD compares: South Asian, 0.0011%; no homozygotes.

Submissions (2):

Labcorp Genetics (formerly Invitae), Labcorp
Classification: Uncertain significance for Succinate-semialdehyde dehydrogenase deficiency. Last evaluated: 2024-11-05. Review status: criteria provided, single submitter. Criteria: Invitae Variant Classification Sherloc (09022015). Collection method: clinical testing. Allele origin: germline.
Comment: This sequence change replaces glutamic acid, which is acidic and polar, with lysine, which is basic and polar, at codon 362 of the ALDH5A1 protein (p.Glu362Lys). This variant is not present in population databases (gnomAD no frequency). This variant has not been reported in the literature in individuals affected with ALDH5A1-related conditions. ClinVar contains an entry for this variant (Variation ID: 906519). Invitae Evidence Modeling of protein sequence and biophysical properties (such as structural, functional, and spatial information, amino acid conservation, physicochemical variation, residue mobility, and thermodynamic stability) indicates that this missense variant is not expected to disrupt ALDH5A1 protein function with a negative predictive value of 80%. In summary, the available evidence is currently insufficient to determine the role of this variant in disease. Therefore, it has been classified as a Variant of Uncertain Significance.

Illumina Laboratory Services, Illumina
Classification: Uncertain significance for Succinate-semialdehyde dehydrogenase deficiency. Last evaluated: 2018-01-12. Review status: criteria provided, single submitter. Criteria: ICSL Variant Classification Criteria 13 December 2019. Collection method: clinical testing. Allele origin: germline.

NM_001080.3(ALDH5A1):c.1084G>A (p.Glu362Lys)

Gene: ALDH5A1 (aldehyde dehydrogenase 5 family member A1; plus strand). Cytogenetic location: 6p22.3.
Variant type: single nucleotide variant.
Coding change: c.1084G>A on transcript NM_001080.3 (MANE Select); coding-DNA position 1084, G replaced by A.
Protein change: p.Glu362Lys; replaces glutamic acid 362 with lysine.
Molecular consequence: missense variant.
Genome position (GRCh38, 1-based): chr6:24,522,836, G>A. VCF-style: chr6-24522836-G-A. GRCh37 (hg19) VCF-style: chr6-24523064-G-A.
Other names: c.940G>A, p.Glu314Lys (NM_001368954.1); c.1123G>A, p.Glu375Lys (NM_170740.1); short protein forms E375K, E362K, E314K.
Identifiers: ClinVar variation 906519 (VCV000906519.11), dbSNP rs1222413080, ClinGen allele CA362976167.